The following is an entry in ClinVar:

ClinVar aggregate classification (germline): Uncertain significance (1 of 4 stars; one submission).

Submission:

Ambry Genetics
Classification: Uncertain significance. Last evaluated: 2025-04-07. Review status: criteria provided, single submitter. Criteria: Ambry Variant Classification Scheme 2023. Collection method: clinical testing. Allele origin: germline.
Comment: The p.I19L variant (also known as c.55A>T), located in coding exon 1 of the MLH3 gene, results from an A to T substitution at nucleotide position 55. The isoleucine at codon 19 is replaced by leucine, an amino acid with highly similar properties. This amino acid position is conserved. In addition, the in silico prediction for this alteration is inconclusive. Based on the available evidence, the clinical significance of this variant remains unclear.

NM_001040108.2(MLH3):c.55A>T (p.Ile19Leu)

Gene: MLH3 (mutL homolog 3; minus strand). Cytogenetic location: 14q24.3.
Variant type: single nucleotide variant.
Coding change: c.55A>T on transcript NM_001040108.2 (MANE Select); coding-DNA position 55, A replaced by T.
Protein change: p.Ile19Leu; replaces isoleucine 19 with leucine.
Molecular consequence: missense variant.
Genome position (GRCh38, 1-based): chr14:75,049,601, T>A on the plus strand (A>T on the coding strand, the complement: MLH3 is on the minus strand). VCF-style: chr14-75049601-T-A. GRCh37 (hg19) VCF-style: chr14-75516304-T-A.
Other names: c.55A>T, p.Ile19Leu (NM_014381.3); short protein forms I19L.
Identifiers: ClinVar variation 4055475 (VCV004055475.1).